The following is an entry in ClinVar:

NM_170682.4(P2RX2):c.917A>C (p.Tyr306Ser)

Gene: P2RX2 (purinergic receptor P2X 2; plus strand). Cytogenetic location: 12q24.33.
Variant type: single nucleotide variant.
Coding change: c.917A>C on transcript NM_170682.4 (MANE Select); coding-DNA position 917, A replaced by C.
Protein change: p.Tyr306Ser; replaces tyrosine 306 with serine.
Molecular consequence: missense variant.
Genome position (GRCh38, 1-based): chr12:132,621,266, A>C. VCF-style: chr12-132621266-A-C. GRCh37 (hg19) VCF-style: chr12-133197852-A-C.
Other names: c.815A>C, p.Tyr272Ser (NM_001282164.2); c.917A>C, p.Tyr306Ser (NM_001282165.2, NM_170683.4, NM_174873.3); c.701A>C, p.Tyr234Ser (NM_012226.5); c.845A>C, p.Tyr282Ser (NM_016318.4); c.641A>C, p.Tyr214Ser (NM_174872.3); short protein forms Y214S, Y234S, Y272S, Y282S, Y306S.
Identifiers: ClinVar variation 3893586 (VCV003893586.2).
Genomic context (GRCh38, chr12:132,621,266, plus strand): 5'-GCAGCCCTGGAGTGCAGAGGACGAGTGGGCACTGGCGTTCCCATTGCAGGTTTGCCAAAT[A>C]CTACAAGATCAATGGCACCACCACCCGCACGCTCATCAAGGCCTACGGGATCCGCATTGA-3'
Protein context (NP_733782.1, residues 296-316): SSGYNFRFAK[Tyr306Ser]YKINGTTTRT

ClinVar aggregate classification (germline): Uncertain significance (1 of 4 stars; one submission).

Submission:

GeneDx
Classification: Uncertain significance. Last evaluated: 2025-05-29. Review status: criteria provided, single submitter. Criteria: GeneDx Variant Classification Process June 2021. Collection method: clinical testing. Allele origin: germline.
Comment: Not observed at significant frequency in large population cohorts (gnomAD); In silico analysis supports that this missense variant has a deleterious effect on protein structure/function; Has not been previously published as pathogenic or benign to our knowledge